The following is an entry in ClinVar:

ClinVar aggregate classification (germline): Likely benign. Review status: criteria provided, multiple submitters, no conflicts (2 of 4 stars). 2 submissions from 2 submitters: Likely benign (2). Last evaluated 2025-12-17.

Conditions:
Xanthinuria type II. Also called: Xanthine dehydrogenase and aldehyde oxidase combined deficiency of; XDH and AOX dual deficiency. Identifiers: Orphanet 3467, Orphanet 93602, MedGen C1863688, MONDO:0011346, OMIM 603592.

Allele frequency attached by ClinVar (database versions not stated): ESP Exome Variant Server 0.00062; gnomAD 0.00067; TOPMed 0.00069; 1000 Genomes Project 30x 0.00078; 1000 Genomes Project 0.00080.
gnomAD v4.1: 233 of 1,614,178 alleles (0.014%); highest among the groups gnomAD compares: African/African-American, 0.23%; 1 homozygote.

Submissions (2):

Labcorp Genetics (formerly Invitae), Labcorp
Classification: Likely benign for Xanthinuria type II. Last evaluated: 2025-12-17. Review status: criteria provided, single submitter. Criteria: Invitae Variant Classification Sherloc (09022015). Collection method: clinical testing. Allele origin: germline.

Mayo Clinic Laboratories, Mayo Clinic
Classification: Likely benign. Last evaluated: 2025-02-21. Review status: criteria provided, single submitter. Criteria: ACMG Guidelines, 2015. Collection method: clinical testing. Allele origin: germline. Observed: 1 variant allele.
Comment: BS1, BP4_moderate

NM_017947.4(MOCOS):c.667C>T (p.Arg223Trp)

Gene: MOCOS (molybdenum cofactor sulfurase; plus strand). Cytogenetic location: 18q12.2.
Variant type: single nucleotide variant.
Coding change: c.667C>T on transcript NM_017947.4 (MANE Select); coding-DNA position 667, C replaced by T.
Protein change: p.Arg223Trp; replaces arginine 223 with tryptophan.
Molecular consequence: missense variant.
Genome position (GRCh38, 1-based): chr18:36,200,050, C>T. VCF-style: chr18-36200050-C-T. GRCh37 (hg19) VCF-style: chr18-33780013-C-T.
Other names: p.Arg223Trp; short protein forms R223W.
Identifiers: ClinVar variation 747721 (VCV000747721.10), dbSNP rs77632154, ClinGen allele CA8940477.
Genomic context (GRCh38, chr18:36,200,050, plus strand): 5'-CAGAGTAACTTTTCTGGAGTCAGATACCCCCTGTCCTGGATAGAAGAGGTCAAGTCTGGG[C>T]GGTTGCACCCTGTGAGCACGCCTGGGAAGTGGTTTGTGCTGCTGGATGCAGCCTCCTACG-3'
Protein context (NP_060417.4, residues 213-233): LSWIEEVKSG[Arg223Trp]LHPVSTPGKW